The following is an entry in ClinVar:

NM_006939.4(SOS2):c.3586T>A (p.Phe1196Ile)

Gene: SOS2 (SOS Ras/Rho guanine nucleotide exchange factor 2; minus strand). Cytogenetic location: 14q21.3.
Variant type: single nucleotide variant.
Coding change: c.3586T>A on transcript NM_006939.4 (MANE Select); coding-DNA position 3586, T replaced by A.
Protein change: p.Phe1196Ile; replaces phenylalanine 1196 with isoleucine.
Molecular consequence: missense variant.
Genome position (GRCh38, 1-based): chr14:50,118,757, A>T on the plus strand (T>A on the coding strand, the complement: SOS2 is on the minus strand). VCF-style: chr14-50118757-A-T. GRCh37 (hg19) VCF-style: chr14-50585475-A-T.
Other names: c.3487T>A, p.Phe1163Ile (NM_001411020.1); short protein forms F1163I, F1196I.
Identifiers: ClinVar variation 3367684 (VCV003367684.1).

ClinVar aggregate classification (germline): Uncertain significance (1 of 4 stars; one submission).

Submission:

GeneDx
Classification: Uncertain significance. Last evaluated: 2024-01-09. Review status: criteria provided, single submitter. Criteria: GeneDx Variant Classification Process June 2021. Collection method: clinical testing. Allele origin: germline. Affected: yes.
Comment: Not observed at significant frequency in large population cohorts (gnomAD); In silico analysis supports that this missense variant does not alter protein structure/function; Has not been previously published as pathogenic or benign to our knowledge